The following is an entry in ClinVar:

NM_020964.3(EPG5):c.551G>T (p.Gly184Val)

Gene: EPG5 (ectopic P-granules 5 autophagy tethering factor; minus strand). Cytogenetic location: 18q21.1.
Variant type: single nucleotide variant.
Coding change: c.551G>T on transcript NM_020964.3 (MANE Select); coding-DNA position 551, G replaced by T.
Protein change: p.Gly184Val; replaces glycine 184 with valine.
Molecular consequence: missense variant.
Genome position (GRCh38, 1-based): chr18:45,954,851, C>A on the plus strand (G>T on the coding strand, the complement: EPG5 is on the minus strand). VCF-style: chr18-45954851-C-A. GRCh37 (hg19) VCF-style: chr18-43534817-C-A.
Other names: c.551G>T, p.Gly184Val (NM_001410858.1, NM_001410859.1); short protein forms G184V.
Identifiers: ClinVar variation 1715678 (VCV001715678.5), dbSNP rs1482099768, ClinGen allele CA402351471.

ClinVar aggregate classification (germline): Uncertain significance (1 of 4 stars; one submission).

Conditions:
Vici syndrome (VICIS). Identifiers: Orphanet 1493, MedGen C1855772, MONDO:0009452, OMIM 242840.

Allele frequency attached by ClinVar (database versions not stated): gnomAD 0.00001.
gnomAD v4.1: 1 of 1,614,054 alleles (0.000062%); no homozygotes.

Submission:

Labcorp Genetics (formerly Invitae), Labcorp
Classification: Uncertain significance for Vici syndrome. Last evaluated: 2022-07-15. Review status: criteria provided, single submitter. Criteria: Invitae Variant Classification Sherloc (09022015). Collection method: clinical testing. Allele origin: germline.
Comment: This sequence change replaces glycine, which is neutral and non-polar, with valine, which is neutral and non-polar, at codon 184 of the EPG5 protein (p.Gly184Val). This variant is present in population databases (no rsID available, gnomAD 0.03%). This variant has not been reported in the literature in individuals affected with EPG5-related conditions. Algorithms developed to predict the effect of missense changes on protein structure and function output the following: SIFT: "Tolerated"; PolyPhen-2: "Benign"; Align-GVGD: "Class C0". The valine amino acid residue is found in multiple mammalian species, which suggests that this missense change does not adversely affect protein function. In summary, the available evidence is currently insufficient to determine the role of this variant in disease. Therefore, it has been classified as a Variant of Uncertain Significance.